The following is an entry in ClinVar:

ClinVar aggregate classification (germline): Conflicting classifications of pathogenicity. Review status: criteria provided, conflicting classifications (1 of 4 stars). 2 submissions from 2 submitters: Uncertain significance (1); Likely benign (1). Last evaluated 2025-11-13.

Conditions:
Emery-Dreifuss muscular dystrophy 5, autosomal dominant (EDMD5). Also called: EMERY-DREIFUSS MUSCULAR DYSTROPHY 5. Identifiers: Orphanet 261, MedGen C2751805, MONDO:0013072, OMIM 612999.

gnomAD v4.1: 10 of 1,613,810 alleles (0.00062%); highest among the groups gnomAD compares: East Asian, 0.0022%; no homozygotes.

Submissions (2):

Labcorp Genetics (formerly Invitae), Labcorp
Classification: Uncertain significance for Emery-Dreifuss muscular dystrophy 5, autosomal dominant. Last evaluated: 2025-11-13. Review status: criteria provided, single submitter. Criteria: Invitae Variant Classification Sherloc (09022015). Collection method: clinical testing. Allele origin: germline.
Comment: This sequence change replaces alanine, which is neutral and non-polar, with valine, which is neutral and non-polar, at codon 1044 of the SYNE2 protein (p.Ala1044Val). This variant is present in population databases (rs377209812, gnomAD 0.003%). This variant has not been reported in the literature in individuals affected with SYNE2-related conditions. ClinVar contains an entry for this variant (Variation ID: 4178611). An algorithm developed to predict the effect of missense changes on protein structure and function outputs the following: PolyPhen-2: "Benign". The valine amino acid residue is found in multiple mammalian species, which suggests that this missense change does not adversely affect protein function. In summary, the available evidence is currently insufficient to determine the role of this variant in disease. Therefore, it has been classified as a Variant of Uncertain Significance.

Ambry Genetics
Classification: Likely benign. Last evaluated: 2025-08-31. Review status: criteria provided, single submitter. Criteria: Ambry Variant Classification Scheme 2023. Collection method: clinical testing. Allele origin: germline.

NM_182914.3(SYNE2):c.3131C>T (p.Ala1044Val)

Gene: SYNE2 (spectrin repeat containing nuclear envelope protein 2; plus strand). Cytogenetic location: 14q23.2.
Variant type: single nucleotide variant.
Coding change: c.3131C>T on transcript NM_182914.3 (MANE Select); coding-DNA position 3131, C replaced by T.
Protein change: p.Ala1044Val; replaces alanine 1044 with valine.
Molecular consequence: missense variant.
Genome position (GRCh38, 1-based): chr14:63,997,137, C>T. VCF-style: chr14-63997137-C-T. GRCh37 (hg19) VCF-style: chr14-64463855-C-T.
Other names: c.3131C>T, p.Ala1044Val (NM_015180.6); short protein forms A1044V.
Identifiers: ClinVar variation 4178611 (VCV004178611.2).